The following is an entry in ClinVar:

ClinVar aggregate classification (germline): Pathogenic (1 of 4 stars; one submission).

Conditions:
Hereditary nonpolyposis colorectal neoplasms. Identifiers: MedGen C0009405, MeSH D003123.

Submission:

Labcorp Genetics (formerly Invitae), Labcorp
Classification: Pathogenic for Hereditary nonpolyposis colorectal neoplasms. Last evaluated: 2025-11-10. Review status: criteria provided, single submitter. Criteria: Invitae Variant Classification Sherloc (09022015). Collection method: clinical testing. Allele origin: germline.
Comment: This sequence change affects the initiator codon of the MSH6 mRNA. This change may impact translation initiation or efficiency. The next in-frame methionine is located at codon 100. This variant is not present in population databases (gnomAD no frequency). Disruption of the initiator codon has been observed in individuals with clinical features of Lynch syndrome (PMID: 21520333; internal data). ClinVar contains an entry for this variant (Variation ID: 2107348). For these reasons, this variant has been classified as Pathogenic.

Literature cited by the submitters: PubMed 21520333.

NM_000179.3(MSH6):c.2T>C (p.Met1Thr)

Gene: MSH6 (mutS homolog 6; plus strand). Cytogenetic location: 2p16.3.
Variant type: single nucleotide variant.
Coding change: c.2T>C on transcript NM_000179.3 (MANE Select); coding-DNA position 2, T replaced by C.
Protein change: p.Met1Thr; changes the start codon (methionine 1).
Molecular consequence: missense variant, initiator codon variant. On other transcripts: 5 prime UTR variant (1).
Genome position (GRCh38, 1-based): chr2:47,783,235, T>C. VCF-style: chr2-47783235-T-C. GRCh37 (hg19) VCF-style: chr2-48010374-T-C.
Other names: c.2T>C, p.Met1Thr (NM_001281492.2, NM_001406795.1, NM_001406796.1 and 9 more transcripts); c.-735T>C (NM_001281493.2, NM_001406811.1); c.-327T>C (NM_001406799.1); c.-54T>C (NM_001406804.1); c.-927T>C (NM_001406807.1); c.-582T>C (NM_001406812.1); c.-993T>C (NM_001406814.1); c.-538T>C (NM_001406816.1); short protein forms M1T.
Identifiers: ClinVar variation 2107348 (VCV002107348.5), dbSNP rs2530313399, ClinGen allele CA346734460.